The following is an entry in ClinVar:

NM_001065.4(TNFRSF1A):c.1159C>T (p.Arg387Trp)

Gene: TNFRSF1A (TNF receptor superfamily member 1A; minus strand). Cytogenetic location: 12p13.31.
Variant type: single nucleotide variant.
Coding change: c.1159C>T on transcript NM_001065.4 (MANE Select); coding-DNA position 1159, C replaced by T.
Protein change: p.Arg387Trp; replaces arginine 387 with tryptophan.
Molecular consequence: missense variant. On other transcripts: non-coding transcript variant (1).
Genome position (GRCh38, 1-based): chr12:6,329,521, G>A on the plus strand (C>T on the coding strand, the complement: TNFRSF1A is on the minus strand). VCF-style: chr12-6329521-G-A. GRCh37 (hg19) VCF-style: chr12-6438687-G-A.
Other names: c.835C>T, p.Arg279Trp (NM_001346091.2); c.700C>T, p.Arg234Trp (NM_001346092.2); short protein forms R387W, R234W, R279W.
Identifiers: ClinVar variation 451179 (VCV000451179.6), dbSNP rs1199072290, ClinGen allele CA383545101.

ClinVar aggregate classification (germline): Uncertain significance. Review status: criteria provided, multiple submitters, no conflicts (2 of 4 stars). 2 submissions from 2 submitters: Uncertain significance (2). Last evaluated 2025-03-31.

Conditions:
TNF receptor-associated periodic fever syndrome (TRAPS) (FPF). Also called: FAMILIAL HIBERNIAN FEVER; TNF RECEPTOR-ASSOCIATED PERIODIC SYNDROME; TUMOR NECROSIS FACTOR RECEPTOR-ASSOCIATED PERIODIC SYNDROME; TNF receptor 1-associated periodic fever syndrome; TNF Receptor-Associated Periodic Fever Syndrome; Autosomal Dominant Familial Periodic Fever. Identifiers: Orphanet 32960, MedGen C1275126, MONDO:0007727, OMIM 142680.

Allele frequency attached by ClinVar (database versions not stated): TOPMed 0.00001.
gnomAD v4.1: 7 of 1,595,002 alleles (0.00044%); highest among the groups gnomAD compares: Non-Finnish European, 0.00059%; no homozygotes.

Submissions (2):

GeneDx
Classification: Uncertain significance. Last evaluated: 2025-03-31. Review status: criteria provided, single submitter. Criteria: GeneDx Variant Classification Process June 2021. Collection method: clinical testing. Allele origin: germline. Affected: yes.
Comment: Not observed in large population cohorts (gnomAD); In silico analysis, which includes protein predictors and evolutionary conservation, supports a deleterious effect; Located in a region that tolerates variation and lacks pathogenic variants; Has not been previously reported as pathogenic or benign in association with TNFRSF1A -related disorders to our knowledge; This variant is associated with the following publications: (PMID: 32082075)

Labcorp Genetics (formerly Invitae), Labcorp
Classification: Uncertain significance for TNF receptor-associated periodic fever syndrome (TRAPS). Last evaluated: 2024-12-19. Review status: criteria provided, single submitter. Criteria: Invitae Variant Classification Sherloc (09022015). Collection method: clinical testing. Allele origin: germline.
Comment: This sequence change replaces arginine, which is basic and polar, with tryptophan, which is neutral and slightly polar, at codon 387 of the TNFRSF1A protein (p.Arg387Trp). This variant is not present in population databases (gnomAD no frequency). This variant has not been reported in the literature in individuals affected with TNFRSF1A-related conditions. ClinVar contains an entry for this variant (Variation ID: 451179). Invitae Evidence Modeling of protein sequence and biophysical properties (such as structural, functional, and spatial information, amino acid conservation, physicochemical variation, residue mobility, and thermodynamic stability) has been performed for this missense variant. However, the output from this modeling did not meet the statistical confidence thresholds required to predict the impact of this variant on TNFRSF1A protein function. In summary, the available evidence is currently insufficient to determine the role of this variant in disease. Therefore, it has been classified as a Variant of Uncertain Significance.